The following is an entry in ClinVar:

ClinVar aggregate classification (germline): Likely pathogenic. Review status: criteria provided, multiple submitters, no conflicts (2 of 4 stars). 3 submissions from 3 submitters: Likely pathogenic (2). 1 of the submissions does not count toward it. Last evaluated 2024-09-25.

Conditions:
Knobloch syndrome 1 (KNO1). Identifiers: MedGen C4551775, MONDO:0800167, OMIM 267750.
Knobloch syndrome (KNO). Also called: Myopia retinal detachment encephalocele; RETINAL DETACHMENT AND OCCIPITAL ENCEPHALOCELE. Identifiers: Orphanet 1571, MedGen C1849409, MONDO:0800166.

gnomAD v4.1: 2 of 1,607,586 alleles (0.00012%); highest among the groups gnomAD compares: Non-Finnish European, 0.00017%; no homozygotes.

Submissions (3):

Women's Health and Genetics/Laboratory Corporation of America, LabCorp
Classification: Likely pathogenic for Knobloch syndrome 1. Last evaluated: 2024-09-25. Review status: criteria provided, single submitter. Criteria: LabCorp Variant Classification Summary - May 2015. Collection method: clinical testing. Allele origin: germline.
Comment: Variant summary: COL18A1 c.3013+3A>C alters a conserved nucleotide located close to a canonical splice site and therefore could affect mRNA splicing, leading to a significantly altered protein sequence. Several computational tools predict a significant impact on normal splicing: Four predict the variant abolishes a 5' splicing donor site. However, these predictions have yet to be confirmed by functional studies. The variant was absent in 244100 control chromosomes. c.3013+3A>C has been reported in the homozygous state in the literature in two siblings affected with Knobloch Syndrome 1 (Keren_2007). These data indicate that the variant is likely to be associated with disease. To our knowledge, no experimental evidence demonstrating an impact on protein function has been reported. This variant is also called c.3544+3A>C. The following publication have been ascertained in the context of this evaluation (PMID: 17546652). ClinVar contains an entry for this variant (Variation ID: 17119). Based on the evidence outlined above, the variant was classified as likely pathogenic.

Juno Genomics, Hangzhou Juno Genomics, Inc
Classification: Likely pathogenic for Knobloch syndrome 1. Review status: criteria provided, single submitter. Criteria: ACMG Guidelines, 2015. Collection method: clinical testing. Allele origin: germline. Affected: yes.
Comment: Absent from controls (or at extremely low frequency if recessive) in Genome Aggregation Database, Exome Sequencing Project, 1000 Genomes Project, or Exome Aggregation Consortium.;Multiple lines of computational evidence support a deleterious effect on the gene or gene product (conservation, evolutionary, splicing impact, etc).;For recessive disorders, detected in trans with a pathogenic variant.;Patient's phenotype or family history is highly specific for a disease with a single genetic etiology.;Co-segregation with disease in multiple affected family members in a gene definitively known to cause the disease.

OMIM
Classification: Pathogenic for KNOBLOCH SYNDROME 1. Last evaluated: 2007-07-01. Review status: no assertion criteria provided. Collection method: literature only. Allele origin: germline. Not counted in ClinVar's aggregate classification.

Literature cited by the submitters: PubMed 17546652 (cited by Women's Health and Genetics/Laboratory Corporation of America, LabCorp and OMIM).

NM_001379500.1(COL18A1):c.3013+3A>C

Genes: COL18A1 (collagen type XVIII alpha 1 chain; plus strand), SLC19A1 (solute carrier family 19 member 1; minus strand). Cytogenetic location: 21q22.3.
Variant type: single nucleotide variant.
Coding change: c.3013+3A>C on transcript NM_001379500.1 (MANE Select); 3 bases into the intron after coding-DNA position 3013, A replaced by C.
Molecular consequence: intron variant.
Genome position (GRCh38, 1-based): chr21:45,505,281, A>C. VCF-style: chr21-45505281-A-C. GRCh37 (hg19) VCF-style: chr21-46925195-A-C.
Other names: IVS36DS, A-C, +3; c.4258+3A>C (NM_130444.3); c.3553+3A>C (NM_030582.4).
Identifiers: ClinVar variation 17119 (VCV000017119.5), dbSNP rs770631950, ClinGen allele CA2573054950.